The following is an entry in ClinVar:

NM_000049.4(ASPA):c.703G>A (p.Glu235Lys)

Genes: ASPA (aspartoacylase; plus strand), SPATA22 (spermatogenesis associated 22; minus strand). Cytogenetic location: 17p13.2.
Variant type: single nucleotide variant.
Coding change: c.703G>A on transcript NM_000049.4 (MANE Select); coding-DNA position 703, G replaced by A.
Protein change: p.Glu235Lys; replaces glutamic acid 235 with lysine.
Molecular consequence: missense variant. On other transcripts: intron variant (2).
Genome position (GRCh38, 1-based): chr17:3,494,418, G>A. VCF-style: chr17-3494418-G-A. GRCh37 (hg19) VCF-style: chr17-3397712-G-A.
Other names: c.703G>A, p.Glu235Lys (NM_001128085.1); c.-74+18994C>T (NM_001321336.2, NM_001321337.2); short protein forms E235K.
Identifiers: ClinVar variation 695346 (VCV000695346.15), dbSNP rs149842031, ClinGen allele CA8289016.

ClinVar aggregate classification (germline): Benign. Review status: criteria provided, multiple submitters, no conflicts (2 of 4 stars). 5 submissions from 5 submitters: Benign (4). 1 of the submissions does not count toward it. Last evaluated 2026-01-31.

Conditions:
Inborn genetic diseases. Identifiers: MedGen C0950123, MeSH D030342.
Spongy degeneration of central nervous system. Also called: Von Bogaert-Bertrand disease; ACY2 DEFICIENCY; AMINOACYLASE 2 DEFICIENCY; ASP DEFICIENCY; ASPA DEFICIENCY; ASPARTOACYLASE DEFICIENCY. Identifiers: Orphanet 141, MedGen C0206307, MONDO:0010079, OMIM 271900.

Allele frequency attached by ClinVar (database versions not stated): gnomAD exomes 0.00046 and 0.00122; gnomAD 0.00537 and 0.00501; TOPMed 0.00540; ExAC 0.00160; 1000 Genomes Project 30x 0.00500; 1000 Genomes Project 0.00459; ESP Exome Variant Server 0.00700.
gnomAD v4.1: 1,463 of 1,612,546 alleles (0.091%); highest among the groups gnomAD compares: African/African-American, 1.7%; 19 homozygotes.

Submissions (5):

Labcorp Genetics (formerly Invitae), Labcorp
Classification: Benign for Spongy degeneration of central nervous system. Last evaluated: 2026-01-31. Review status: criteria provided, single submitter. Criteria: Invitae Variant Classification Sherloc (09022015). Collection method: clinical testing. Allele origin: germline.

Women's Health and Genetics/Laboratory Corporation of America, LabCorp
Classification: Benign. Last evaluated: 2022-11-12. Review status: criteria provided, single submitter. Criteria: LabCorp Variant Classification Summary - May 2015. Collection method: clinical testing. Allele origin: germline.
Comment: Variant summary: ASPA c.703G>A (p.Glu235Lys) results in a conservative amino acid change in the encoded protein sequence. Five of five in-silico tools predict a benign effect of the variant on protein function. The variant allele was found at a frequency of 0.0017 in 282776 control chromosomes (gnomAD), predominantly at a frequency of 0.019 within the African or African-American subpopulation in the gnomAD database, including 9 homozygotes. The observed variant frequency within African or African-American control individuals in the gnomAD database is approximately 2.4 fold of the estimated maximal expected allele frequency for a pathogenic variant in ASPA causing Canavan Disease phenotype (0.0079), strongly suggesting that the variant is a benign polymorphism found primarily in populations of African or African-American origin. To our knowledge, no occurrence of c.703G>A in individuals affected with Canavan Disease and no experimental evidence demonstrating its impact on protein function have been reported. Three ClinVar submitters have assessed the variant since 2014: one classified the variant as uncertain significance and two as benign. Based on the evidence outlined above, the variant was classified as benign.

Ambry Genetics
Classification: Benign for Inborn genetic diseases. Last evaluated: 2015-06-18. Review status: criteria provided, single submitter. Criteria: Ambry Variant Classification Scheme 2023. Collection method: clinical testing. Allele origin: germline.

Breakthrough Genomics
Classification: Benign. Review status: criteria provided, single submitter. Criteria: ACMG Guidelines, 2015. Collection method: not provided. Allele origin: germline. Inheritance: Autosomal recessive inheritance. Affected: yes.

Natera, Inc.
Classification: Uncertain significance for Canavan disease. Last evaluated: 2017-04-25. Review status: no assertion criteria provided. Collection method: clinical testing. Allele origin: germline. Not counted in ClinVar's aggregate classification.